The following is an entry in ClinVar:

NM_007294.4(BRCA1):c.1499del (p.Asn500fs)

Gene: BRCA1 (BRCA1 DNA repair associated; minus strand). Cytogenetic location: 17q21.31.
Variant type: Deletion.
Coding change: c.1499del on transcript NM_007294.4 (MANE Select); coding-DNA position 1499, one base deleted (A; older notation c.1499delA).
Protein change: p.Asn500fs; shifts the reading frame from asparagine 500.
Molecular consequence: frameshift variant. On other transcripts: intron variant (137).
Genome position (GRCh38, 1-based): chr17:43,094,032, T deleted on the plus strand (A on the coding strand, the reverse complement: BRCA1 is on the minus strand); the first of 3 consecutive T bases (chr17:43,094,032-43,094,034); deleting any one gives the same sequence. VCF-style (leftmost placement, unchanged base first): chr17-43094031-AT-A. GRCh37 (hg19) VCF-style: chr17-41246048-AT-A.
Other names: 1618delA; c.1499delA (NM_007294.3); c.1286del, p.Asn429fs (NM_001407571.1, NM_001407853.1, NM_001407894.1 and 9 more transcripts); c.1499del, p.Asn500fs (NM_001407581.1, NM_001407582.1, NM_001407583.1 and 30 more transcripts); c.1496del, p.Asn499fs (NM_001407587.1, NM_001407590.1, NM_001407591.1 and 22 more transcripts); c.1490del, p.Asn497fs (NM_001407646.1, NM_001407647.1); c.1376del, p.Asn459fs (NM_001407648.1, NM_001407664.1, NM_001407665.1 and 19 more transcripts); c.1373del, p.Asn458fs (NM_001407649.1, NM_001407670.1, NM_001407671.1 and 11 more transcripts); and 42 more; short protein forms N453fs, N500fs, N373fs, N388fs, N432fs, N459fs, N473fs, N474fs.
Identifiers: ClinVar variation 54271 (VCV000054271.11), dbSNP rs397508874, ClinGen allele CA001004.

ClinVar aggregate classification (germline): Pathogenic. Review status: reviewed by expert panel (3 of 4 stars). 5 submissions from 5 submitters: Pathogenic (1). 4 of the submissions do not count toward it. Last evaluated 2016-10-18.

Conditions:
Hereditary cancer-predisposing syndrome. Also called: Tumor predisposition; Neoplastic Syndromes, Hereditary; Hereditary Cancer Syndrome; Hereditary neoplastic syndrome. Identifiers: Orphanet 140162, MedGen C0027672, MeSH D009386, MONDO:0015356.
Hereditary breast ovarian cancer syndrome. Also called: Hereditary breast and ovarian cancer syndrome (HBOC); Hereditary breast and ovarian cancer syndrome; Hereditary breast and ovarian cancer; Hereditary breast and/or ovarian cancer syndrome; Breast and ovarian cancer; BRCA1- and BRCA2-Associated Hereditary Breast and Ovarian Cancer. Identifiers: Orphanet 145, MedGen C0677776, MeSH D061325, MONDO:0003582. Disease mechanism: loss of function.
Breast-ovarian cancer, familial, susceptibility to, 1 (BROVCA1). Also called: OVARIAN CANCER, SUSCEPTIBILITY TO; BRCA1 Hereditary Breast and Ovarian Cancer. Identifiers: Orphanet 145, MedGen C2676676, MONDO:0011450, OMIM 604370. Disease mechanism: loss of function.
Malignant tumor of breast. Also called: Malignant breast neoplasm; Cancer breast. Identifiers: MedGen C0006142, MONDO:0007254. Disease mechanism: loss of function.

Submissions (5):

Evidence-based Network for the Interpretation of Germline Mutant Alleles (ENIGMA)
Classification: Pathogenic for Breast-ovarian cancer, familial, susceptibility to, 1. Last evaluated: 2016-10-18. Review status: reviewed by expert panel. Criteria: ENIGMA BRCA1/2 Classification Criteria (2015). Collection method: curation. Allele origin: germline.
Comment: Variant allele predicted to encode a truncated non-functional protein.

Labcorp Genetics (formerly Invitae), Labcorp
Classification: Pathogenic for Hereditary breast ovarian cancer syndrome. Last evaluated: 2021-12-27. Review status: criteria provided, single submitter. Criteria: Invitae Variant Classification Sherloc (09022015). Collection method: clinical testing. Allele origin: germline. Not counted in ClinVar's aggregate classification.
Comment: For these reasons, this variant has been classified as Pathogenic. ClinVar contains an entry for this variant (Variation ID: 54271). This variant is also known as 1618delA. This premature translational stop signal has been observed in individual(s) with ovarian cancer (PMID: 21324516). This variant is not present in population databases (gnomAD no frequency). This sequence change creates a premature translational stop signal (p.Asn500Ilefs*3) in the BRCA1 gene. It is expected to result in an absent or disrupted protein product. Loss-of-function variants in BRCA1 are known to be pathogenic (PMID: 20104584).

Sema4
Classification: Likely pathogenic for Hereditary cancer-predisposing syndrome. Last evaluated: 2021-08-27. Review status: criteria provided, single submitter. Criteria: Sema4 Curation Guidelines. Collection method: curation. Allele origin: germline. Not counted in ClinVar's aggregate classification.
Comment: The BRCA1 c.1499delA (p.N500IfsX3) variant has been reported in heterozygosity in at least one individual with ovarian cancer (PMID: 21324516). This variant causes a frameshift at amino acid 500 that results in premature termination 3 amino acids downstream. This variant is expected to result in an absent or non-functional protein product (loss of function). Loss of function variants in BRCA1 are known to be pathogenic (PMID: 29446198). This variant is not reported in the Genome Aggregation Database (PMID: 32461654). This variant has been reported in ClinVar (Variation ID: 54271). Based on the current evidence available, this variant is interpreted as likely pathogenic.

Consortium of Investigators of Modifiers of BRCA1/2 (CIMBA), c/o University of Cambridge
Classification: Pathogenic for Breast-ovarian cancer, familial, susceptibility to, 1. Last evaluated: 2015-10-02. Review status: criteria provided, single submitter. Criteria: CIMBA Mutation Classification guidelines May 2016. Collection method: clinical testing. Allele origin: germline. Not counted in ClinVar's aggregate classification.

Department of Pathology and Laboratory Medicine, Sinai Health System
Classification: Pathogenic for Malignant tumor of breast. Review status: no assertion criteria provided. Collection method: clinical testing. Allele origin: unknown. Affected: yes. Study: The Canadian Open Genetics Repository (COGR). Not counted in ClinVar's aggregate classification.
Comment: The BRCA1 p.Asn500IlefsX3 variant was identified in 1 of 2684 proband chromosomes (frequency: 0.0004) from an Ontario based population of individuals or families with ovarian cancer (Zhang 2011). The variant was also identified in dbSNP (ID: rs397508874) as â€šÃ„ÃºWith Pathogenic alleleâ€šÃ„Ã¹, Clinvitae database (classification pathogenic), ARUP Laboratories BRCA Mutations Database (classification definitely pathogenic), COSMIC, the ClinVar database (classification definitely pathogenic, reviewed by an expert panel, submitters ENIGMA and CIMBA, and classification not provided by Invitae); and was not identified in GeneInsight COGR database, the BIC database, UMD, Fanconi Anemia Mutation Database (LOVD), LOVD-IARC database, 1000 Genomes Project, NHLBI GO Exome Sequencing Project and the Exome Aggregation Consortium database (August 8, 2016). The c.1499delA variant is predicted to cause a frameshift, which alters the protein's amino acid sequence beginning at codon 500 and leads to a premature stop codon 3 codons downstream. This alteration is then predicted to result in a truncated or absent protein and loss of function. Loss of function variants of the BRCA1 gene are an established mechanism of disease in hereditary breast and ovarian cancer and is the type of variant expected to cause the disorder. In summary, based on the above information, this variant meets our laboratoryâ€šÃ„Ã´s criteria to be classified as pathogenic.

Literature cited by the submitters: PubMed 21324516 (cited by Labcorp Genetics (formerly Invitae), Labcorp and Sema4); PubMed 20104584 (cited by Labcorp Genetics (formerly Invitae), Labcorp); PubMed 29446198 (cited by Sema4).